The following is an entry in ClinVar:

ClinVar aggregate classification (germline): Uncertain significance (1 of 4 stars; one submission).

Submission:

Labcorp Genetics (formerly Invitae), Labcorp
Classification: Uncertain significance. Last evaluated: 2022-03-13. Review status: criteria provided, single submitter. Criteria: Invitae Variant Classification Sherloc (09022015). Collection method: clinical testing. Allele origin: germline.
Comment: In summary, the available evidence is currently insufficient to determine the role of this variant in disease. Therefore, it has been classified as a Variant of Uncertain Significance. Algorithms developed to predict the effect of missense changes on protein structure and function output the following: SIFT: "Tolerated"; PolyPhen-2: "Benign"; Align-GVGD: "Class C0". The alanine amino acid residue is found in multiple mammalian species, which suggests that this missense change does not adversely affect protein function. This variant has not been reported in the literature in individuals affected with TJP2-related conditions. This variant is not present in population databases (gnomAD no frequency). This sequence change replaces threonine, which is neutral and polar, with alanine, which is neutral and non-polar, at codon 364 of the TJP2 protein (p.Thr364Ala).

NM_004817.4(TJP2):c.1090A>G (p.Thr364Ala)

Gene: TJP2 (tight junction protein 2; plus strand). Cytogenetic location: 9q21.11.
Variant type: single nucleotide variant.
Coding change: c.1090A>G on transcript NM_004817.4 (MANE Select); coding-DNA position 1090, A replaced by G.
Protein change: p.Thr364Ala; replaces threonine 364 with alanine.
Molecular consequence: missense variant.
Genome position (GRCh38, 1-based): chr9:69,226,055, A>G. VCF-style: chr9-69226055-A-G. GRCh37 (hg19) VCF-style: chr9-71840971-A-G.
Other names: c.1021A>G, p.Thr341Ala (NM_001170414.2, NM_001369870.1, NM_001369871.1); c.1102A>G, p.Thr368Ala (NM_001170415.1, NM_001369874.1, NM_001369875.1); c.1183A>G, p.Thr395Ala (NM_001170416.2); c.1090A>G, p.Thr364Ala (NM_001369872.1, NM_001369873.1, NM_201629.3); short protein forms T364A, T395A, T341A, T368A.
Identifiers: ClinVar variation 2111406 (VCV002111406.4), dbSNP rs1245764709, ClinGen allele CA373530460.